The following is an entry in ClinVar:

NM_000245.4(MET):c.2265-29A>T

Gene: MET (MET proto-oncogene, receptor tyrosine kinase; plus strand). Cytogenetic location: 7q31.2.
Variant type: single nucleotide variant.
Coding change: c.2265-29A>T on transcript NM_000245.4 (MANE Select); 29 bases into the intron before coding-DNA position 2265, A replaced by T.
Molecular consequence: intron variant. On other transcripts: missense variant (1).
Genome position (GRCh38, 1-based): chr7:116,759,362, A>T. VCF-style: chr7-116759362-A-T. GRCh37 (hg19) VCF-style: chr7-116399416-A-T.
Other names: c.2290A>T, p.Ile764Phe (NM_001127500.3); c.975-29A>T (NM_001324402.2); c.2265-29A>T (NM_001324401.3); c.2290A>T (NM_001127500.1); short protein forms I764F.
Identifiers: ClinVar variation 1461846 (VCV001461846.8), dbSNP rs2116937133, ClinGen allele CA368981637.
Genomic context (GRCh38, chr7:116,759,362, plus strand): 5'-AGTGCAGGTGATTAAATTGAATCCCTCTCTTACAGTACTTGGTGGAAAGAACCTCTCAAC[A>T]TTGTCAGTTTTCTATTTTGCTTTGCCAGTGGTGGGAGCACAATAACAGGTGTTGGGAAAA-3'

ClinVar aggregate classification (germline): Conflicting classifications of pathogenicity. Review status: criteria provided, conflicting classifications (1 of 4 stars). 2 submissions from 2 submitters: Uncertain significance (1); Likely benign (1). Last evaluated 2026-07-30.

Conditions:
Renal cell carcinoma. Identifiers: Orphanet 217071, MedGen C0007134, MeSH D002292, MONDO:0005086, HP:0005584.
Hereditary cancer-predisposing syndrome. Also called: Hereditary Cancer Syndrome; Tumor predisposition; Neoplastic Syndromes, Hereditary; Hereditary neoplastic syndrome. Identifiers: Orphanet 140162, MedGen C0027672, MeSH D009386, MONDO:0015356.

Submissions (2):

Ambry Genetics
Classification: Likely benign for Hereditary cancer-predisposing syndrome. Last evaluated: 2026-07-30. Review status: criteria provided, single submitter. Criteria: Ambry Variant Classification Scheme 2023. Collection method: clinical testing. Allele origin: germline.

Labcorp Genetics (formerly Invitae), Labcorp
Classification: Uncertain significance for Renal cell carcinoma. Last evaluated: 2021-10-06. Review status: criteria provided, single submitter. Criteria: Invitae Variant Classification Sherloc (09022015). Collection method: clinical testing. Allele origin: germline.
Comment: In summary, the available evidence is currently insufficient to determine the role of this variant in disease. Therefore, it has been classified as a Variant of Uncertain Significance. Algorithms developed to predict the effect of missense changes on protein structure and function are either unavailable or do not agree on the potential impact of this missense change (SIFT: "Deleterious"; PolyPhen-2: "Benign"; Align-GVGD: "Class C0"). This variant has not been reported in the literature in individuals affected with MET-related conditions. This variant is not present in population databases (ExAC no frequency). This sequence change replaces isoleucine with phenylalanine at codon 764 of the MET protein (p.Ile764Phe). The isoleucine residue is weakly conserved and there is a small physicochemical difference between isoleucine and phenylalanine.